The following is an entry in ClinVar:

NM_001080517.3(SETD5):c.2741A>T (p.Asp914Val)

Gene: SETD5 (SET domain containing 5; plus strand). Cytogenetic location: 3p25.3.
Variant type: single nucleotide variant.
Coding change: c.2741A>T on transcript NM_001080517.3 (MANE Select); coding-DNA position 2741, A replaced by T.
Protein change: p.Asp914Val; replaces aspartic acid 914 with valine.
Molecular consequence: missense variant.
Genome position (GRCh38, 1-based): chr3:9,470,475, A>T. VCF-style: chr3-9470475-A-T. GRCh37 (hg19) VCF-style: chr3-9512159-A-T.
Other names: c.2447A>T, p.Asp816Val (NM_001292043.2, NM_001349451.2); short protein forms D914V, D816V.
Identifiers: ClinVar variation 2876482 (VCV002876482.3), dbSNP rs1203275166, ClinGen allele CA351679947.

ClinVar aggregate classification (germline): Uncertain significance (1 of 4 stars; one submission).

Allele frequency attached by ClinVar (database versions not stated): gnomAD 0.00001.
gnomAD v4.1: 1 of 1,610,886 alleles (0.000062%); highest among the groups gnomAD compares: Admixed American, 0.0017%; no homozygotes.

Submission:

Labcorp Genetics (formerly Invitae), Labcorp
Classification: Uncertain significance. Last evaluated: 2023-06-27. Review status: criteria provided, single submitter. Criteria: Invitae Variant Classification Sherloc (09022015). Collection method: clinical testing. Allele origin: germline.
Comment: In summary, the available evidence is currently insufficient to determine the role of this variant in disease. Therefore, it has been classified as a Variant of Uncertain Significance. Advanced modeling of protein sequence and biophysical properties (such as structural, functional, and spatial information, amino acid conservation, physicochemical variation, residue mobility, and thermodynamic stability) performed at Invitae indicates that this missense variant is not expected to disrupt SETD5 protein function. This variant has not been reported in the literature in individuals affected with SETD5-related conditions. This variant is present in population databases (no rsID available, gnomAD 0.003%). This sequence change replaces aspartic acid, which is acidic and polar, with valine, which is neutral and non-polar, at codon 914 of the SETD5 protein (p.Asp914Val).